The following is an entry in ClinVar:

NM_001393504.1(MAST3):c.1556A>G (p.Asp519Gly)

Gene: MAST3 (microtubule associated serine/threonine kinase 3; plus strand). Cytogenetic location: 19p13.11.
Variant type: single nucleotide variant.
Coding change: c.1556A>G on transcript NM_001393504.1 (MANE Select); coding-DNA position 1556, A replaced by G.
Protein change: p.Asp519Gly; replaces aspartic acid 519 with glycine.
Molecular consequence: missense variant.
Genome position (GRCh38, 1-based): chr19:18,132,032, A>G. VCF-style: chr19-18132032-A-G. GRCh37 (hg19) VCF-style: chr19-18242842-A-G.
Other names: c.1580A>G, p.Asp527Gly (NM_001393501.1); c.1559A>G, p.Asp520Gly (NM_001393502.1); c.1556A>G, p.Asp519Gly (NM_001393503.1); c.1553A>G, p.Asp518Gly (NM_001393505.1); c.1508A>G, p.Asp503Gly (NM_001393506.1, NM_001393513.1); c.1535A>G, p.Asp512Gly (NM_001393507.1); c.1490A>G, p.Asp497Gly (NM_001393508.1, NM_001393516.1); c.1487A>G, p.Asp496Gly (NM_001393509.1, NM_001393510.1, NM_001393512.1 and 2 more transcripts); and 4 more; short protein forms D490G, D496G, D512G, D519G, D495G, D518G, D520G, D481G.
Identifiers: ClinVar variation 3543532 (VCV003543532.2).

ClinVar aggregate classification (germline): Likely pathogenic (1 of 4 stars; one submission).

Conditions:
Inborn genetic diseases. Identifiers: MedGen C0950123, MeSH D030342.

Submission:

Ambry Genetics
Classification: Likely pathogenic for Inborn genetic diseases. Last evaluated: 2025-01-24. Review status: criteria provided, single submitter. Criteria: Ambry Variant Classification Scheme 2023. Collection method: clinical testing. Allele origin: germline.
Comment: The c.1469A>G (p.D490G) alteration is located in exon 14 (coding exon 14) of the MAST3 gene. This alteration results from a A to G substitution at nucleotide position 1469, causing the aspartic acid (D) at amino acid position 490 to be replaced by a glycine (G). This variant was not reported in population-based cohorts in the Genome Aggregation Database (gnomAD). This amino acid position is highly conserved in available vertebrate species. This alteration is predicted to be deleterious by in silico analysis. Based on the available evidence, this alteration is classified as likely pathogenic.